The following is an entry in ClinVar:

NM_001257291.2(SLC9A7):c.23G>C (p.Arg8Pro)

Genes: SLC9A7 (solute carrier family 9 member A7; minus strand), LOC130068197 (ATAC-STARR-seq lymphoblastoid silent region 20793; plus strand). Cytogenetic location: Xp11.3.
Variant type: single nucleotide variant.
Coding change: c.23G>C on transcript NM_001257291.2 (MANE Select); coding-DNA position 23, G replaced by C.
Protein change: p.Arg8Pro; replaces arginine 8 with proline.
Molecular consequence: missense variant.
Genome position (GRCh38, 1-based): chrX:46,759,007, C>G on the plus strand (G>C on the coding strand, the complement: SLC9A7 is on the minus strand). VCF-style: chrX-46759007-C-G. GRCh37 (hg19) VCF-style: chrX-46618442-C-G.
Other names: c.23G>C, p.Arg8Pro (NM_032591.3); short protein forms R8P.
Identifiers: ClinVar variation 4882380 (VCV004882380.2).

ClinVar aggregate classification (germline): Uncertain significance (1 of 4 stars; one submission).

Conditions:
Intellectual developmental disorder, X-linked 108. Also called: MENTAL RETARDATION, X-LINKED 108. Identifiers: MedGen C5193009, MONDO:0026723, OMIM 301024.

Submission:

Dasa
Classification: Uncertain significance for Intellectual developmental disorder, X-linked 108. Last evaluated: 2025-02-21. Review status: criteria provided, single submitter. Criteria: DASA Assertion Criteria. Collection method: clinical testing. Allele origin: germline.
Comment: NM_001257291.2(SLC9A7):c.23G>C (p.Arg8Pro) is a missense variant that results in the substitution of arginine with proline. This variant is rare in population databases. Computational prediction algorithms are consistent with a benign effect. The currently available literature and clinical evidence are not sufficient to establish a definitive association between this variant and the reported condition. Therefore, this variant is classified as a variant of uncertain significance.